The following is an entry in ClinVar:

NM_001384140.1(PCDH15):c.2595dup (p.Ala866fs)

Gene: PCDH15 (protocadherin related 15; minus strand). Cytogenetic location: 10q21.1.
Variant type: Duplication.
Coding change: c.2595dup on transcript NM_001384140.1 (MANE Select); coding-DNA position 2595, one base duplicated (T; older notation c.2595dupT).
Protein change: p.Ala866fs; shifts the reading frame from alanine 866.
Molecular consequence: frameshift variant.
Genome position (GRCh38, 1-based): chr10:54,020,348, A duplicated on the plus strand (T on the coding strand, the reverse complement: PCDH15 is on the minus strand); the first of 6 consecutive A bases (chr10:54,020,348-54,020,353); duplicating any one gives the same sequence. VCF-style (leftmost placement, unchanged base first): chr10-54020347-C-CA. GRCh37 (hg19) VCF-style: chr10-55780107-C-CA.
Other names: c.2610dup, p.Ala871fs (NM_001142763.2, NM_001142771.2); c.2595dup, p.Ala866fs (NM_001142764.2, NM_001142766.2, NM_001142770.3 and 5 more transcripts); c.2382dup, p.Ala795fs (NM_001142765.2); c.2484dup, p.Ala829fs (NM_001142767.2); c.2529dup, p.Ala844fs (NM_001142768.2, NM_001142773.2, NM_001354404.2); c.2626dup, p.Ala878Cysfs (NM_001142769.4); c.2616dup, p.Ala873fs (NM_001354411.2); short protein forms A866fs, A871fs, A878fs, A829fs, A873fs, A795fs, A844fs.
Identifiers: ClinVar variation 2058110 (VCV002058110.5), dbSNP rs2092877701, ClinGen allele CA645541498.
Genomic context (GRCh38, chr10:54,020,347, plus strand): 5'-GAAATGCCTCATAATCTAAACTCCTTAAAAGCGATAGTTCTCCTGTAAATGGATGTAGTG[C>CA]AAAAAAGTGCTTCACTTCTGGGCTTCTTATCCGGTAAGACACATTTGCTCCAAGGTCGAC-3'

ClinVar aggregate classification (germline): Pathogenic. Review status: criteria provided, multiple submitters, no conflicts (2 of 4 stars). 2 submissions from 2 submitters: Pathogenic (2). Last evaluated 2024-12-03.

Conditions:
Usher syndrome type 1F (USH1F). Also called: USHER SYNDROME, TYPE IF. Identifiers: Orphanet 231169, Orphanet 886, MedGen C1865885, MONDO:0011186, OMIM 602083.

Submissions (2):

Myriad Genetics, Inc.
Classification: Pathogenic for Usher syndrome type 1F. Last evaluated: 2024-12-03. Review status: criteria provided, single submitter. Criteria: Myriad Autosomal Dominant, Autosomal Recessive and X-Linked Classification Criteria (2023). Collection method: clinical testing. Allele origin: unknown.
Comment: NM_033056.3(PCDH15):c.2595dupT(A866Cfs*18) is expected to be pathogenic in the context of PCDH15-related disorders. This variant is predicted to lead to an abnormal or absent protein product due to the creation of a premature termination codon in PCDH15, a gene where loss-of-function variants are known to be pathogenic. Please note: this variant was assessed in the context of healthy population screening.

Labcorp Genetics (formerly Invitae), Labcorp
Classification: Pathogenic. Last evaluated: 2022-08-23. Review status: criteria provided, single submitter. Criteria: Invitae Variant Classification Sherloc (09022015). Collection method: clinical testing. Allele origin: germline.
Comment: For these reasons, this variant has been classified as Pathogenic. This variant has not been reported in the literature in individuals affected with PCDH15-related conditions. This variant is not present in population databases (gnomAD no frequency). This sequence change creates a premature translational stop signal (p.Ala866Cysfs*18) in the PCDH15 gene. It is expected to result in an absent or disrupted protein product. Loss-of-function variants in PCDH15 are known to be pathogenic (PMID: 11398101, 11487575, 14570705).

Literature cited by the submitters: PubMed 11398101 (cited by Labcorp Genetics (formerly Invitae), Labcorp); PubMed 11487575 (cited by Labcorp Genetics (formerly Invitae), Labcorp); PubMed 14570705 (cited by Labcorp Genetics (formerly Invitae), Labcorp).